The following is an entry in ClinVar:

NM_004168.4(SDHA):c.151-14T>C

Gene: SDHA (succinate dehydrogenase complex flavoprotein subunit A; plus strand). Cytogenetic location: 5p15.33.
Variant type: single nucleotide variant.
Coding change: c.151-14T>C on transcript NM_004168.4 (MANE Select); 14 bases into the intron before coding-DNA position 151, T replaced by C.
Molecular consequence: intron variant.
Genome position (GRCh38, 1-based): chr5:224,346, T>C. VCF-style: chr5-224346-T-C. GRCh37 (hg19) VCF-style: chr5-224461-T-C.
Other names: c.151-14T>C (NM_001330758.2, NM_001294332.2).
Identifiers: ClinVar variation 3757499 (VCV003757499.3).

ClinVar aggregate classification (germline): Likely benign. Review status: criteria provided, multiple submitters, no conflicts (2 of 4 stars). 2 submissions from 2 submitters: Likely benign (2). Last evaluated 2025-02-28.

Conditions:
Mitochondrial complex II deficiency, nuclear type 1. Also called: SUCCINATE CoQ REDUCTASE DEFICIENCY. Identifiers: Orphanet 3208, MedGen C5700310, MONDO:0100294, OMIM 252011.
Pheochromocytoma/paraganglioma syndrome 5. Also called: Paragangliomas 5; SDHA-Related Hereditary Paraganglioma-Pheochromocytoma Syndrome. Identifiers: Orphanet 29072, MedGen C3279992, MONDO:0013602, OMIM 614165.

Submissions (2):

Myriad Genetics, Inc.
Classification: Likely benign for Pheochromocytoma/paraganglioma syndrome 5. Last evaluated: 2025-02-28. Review status: criteria provided, single submitter. Criteria: Myriad Autosomal Dominant, Autosomal Recessive and X-Linked Classification Criteria (2023). Collection method: clinical testing. Allele origin: unknown.
Comment: This variant is considered likely benign. This variant is intronic and is not expected to impact mRNA splicing.

Labcorp Genetics (formerly Invitae), Labcorp
Classification: Likely benign for Pheochromocytoma/paraganglioma syndrome 5; Mitochondrial complex II deficiency, nuclear type 1. Last evaluated: 2024-11-19. Review status: criteria provided, single submitter. Criteria: Invitae Variant Classification Sherloc (09022015). Collection method: clinical testing. Allele origin: germline.